The following is an entry in ClinVar:

ClinVar aggregate classification (germline): Uncertain significance. Review status: criteria provided, multiple submitters, no conflicts (2 of 4 stars). 2 submissions from 2 submitters: Uncertain significance (2). Last evaluated 2025-10-15.

Conditions:
Inborn genetic diseases. Identifiers: MedGen C0950123, MeSH D030342.

Allele frequency attached by ClinVar (database versions not stated): gnomAD 0.00001 and 0.00002; TOPMed 0.00001; ExAC 0.00002; gnomAD exomes 0.00002 and 0.00003.

Submissions (2):

Ambry Genetics
Classification: Uncertain significance for Inborn genetic diseases. Last evaluated: 2025-10-15. Review status: criteria provided, single submitter. Criteria: Ambry Variant Classification Scheme 2023. Collection method: clinical testing. Allele origin: germline.

Labcorp Genetics (formerly Invitae), Labcorp
Classification: Uncertain significance. Last evaluated: 2024-02-17. Review status: criteria provided, single submitter. Criteria: Invitae Variant Classification Sherloc (09022015). Collection method: clinical testing. Allele origin: germline.
Comment: This sequence change replaces valine, which is neutral and non-polar, with isoleucine, which is neutral and non-polar, at codon 646 of the SNRNP200 protein (p.Val646Ile). This variant is present in population databases (rs752205917, gnomAD 0.005%). This variant has not been reported in the literature in individuals affected with SNRNP200-related conditions. ClinVar contains an entry for this variant (Variation ID: 935855). Advanced modeling of protein sequence and biophysical properties (such as structural, functional, and spatial information, amino acid conservation, physicochemical variation, residue mobility, and thermodynamic stability) performed at Invitae indicates that this missense variant is not expected to disrupt SNRNP200 protein function with a negative predictive value of 80%. In summary, the available evidence is currently insufficient to determine the role of this variant in disease. Therefore, it has been classified as a Variant of Uncertain Significance.

NM_014014.5(SNRNP200):c.1936G>A (p.Val646Ile)

Gene: SNRNP200 (small nuclear ribonucleoprotein U5 subunit 200; minus strand). Cytogenetic location: 2q11.2.
Variant type: single nucleotide variant.
Coding change: c.1936G>A on transcript NM_014014.5 (MANE Select); coding-DNA position 1936, G replaced by A.
Protein change: p.Val646Ile; replaces valine 646 with isoleucine.
Molecular consequence: missense variant.
Genome position (GRCh38, 1-based): chr2:96,293,416, C>T on the plus strand (G>A on the coding strand, the complement: SNRNP200 is on the minus strand). VCF-style: chr2-96293416-C-T. GRCh37 (hg19) VCF-style: chr2-96959154-C-T.
Other names: short protein forms V646I.
Identifiers: ClinVar variation 935855 (VCV000935855.10), dbSNP rs752205917, ClinGen allele CA1778806.